The following is an entry in ClinVar:

NM_002691.4(POLD1):c.3052G>A (p.Val1018Met)

Gene: POLD1 (DNA polymerase delta 1, catalytic subunit; plus strand). Cytogenetic location: 19q13.33.
Variant type: single nucleotide variant.
Coding change: c.3052G>A on transcript NM_002691.4 (MANE Select); coding-DNA position 3052, G replaced by A.
Protein change: p.Val1018Met; replaces valine 1018 with methionine.
Molecular consequence: missense variant. On other transcripts: non-coding transcript variant (1).
Genome position (GRCh38, 1-based): chr19:50,416,708, G>A. VCF-style: chr19-50416708-G-A. GRCh37 (hg19) VCF-style: chr19-50919965-G-A.
Other names: c.3052G>A, p.Val1018Met (NM_001256849.1); c.3130G>A, p.Val1044Met (NM_001308632.1); c.3052G>A (NM_002691.2); short protein forms V1018M, V1044M.
Identifiers: ClinVar variation 568958 (VCV000568958.10), dbSNP rs745426056, ClinGen allele CA9596733.

ClinVar aggregate classification (germline): Uncertain significance. Review status: criteria provided, multiple submitters, no conflicts (2 of 4 stars). 3 submissions from 3 submitters: Uncertain significance (3). Last evaluated 2026-03-04.

Conditions:
Hereditary cancer-predisposing syndrome. Also called: Tumor predisposition; Neoplastic Syndromes, Hereditary; Hereditary Cancer Syndrome; Hereditary neoplastic syndrome. Identifiers: Orphanet 140162, MedGen C0027672, MeSH D009386, MONDO:0015356.
POLD1-related polyposis and colorectal cancer syndrome (CRCS10). Also called: Colorectal cancer 10; COLORECTAL CANCER, SUSCEPTIBILITY TO, ON CHROMOSOME 19q; Colorectal cancer, susceptibility to, 10. Identifiers: Orphanet 220460, MedGen C2675481, MONDO:0012953, OMIM 612591.

Allele frequency attached by ClinVar (database versions not stated): ExAC below 0.00001; TOPMed below 0.00001.

Submissions (3):

Ambry Genetics
Classification: Uncertain significance for Hereditary cancer-predisposing syndrome. Last evaluated: 2026-03-04. Review status: criteria provided, single submitter. Criteria: Ambry Variant Classification Scheme 2023. Collection method: clinical testing. Allele origin: germline.
Comment: The p.V1018M variant (also known as c.3052G>A), located in coding exon 23 of the POLD1 gene, results from a G to A substitution at nucleotide position 3052. The valine at codon 1018 is replaced by methionine, an amino acid with highly similar properties. This amino acid position is conserved. In addition, this alteration is predicted to be tolerated by in silico analysis. Based on the available evidence, the clinical significance of this variant remains unclear.

Labcorp Genetics (formerly Invitae), Labcorp
Classification: Uncertain significance for POLD1-related polyposis and colorectal cancer syndrome. Last evaluated: 2025-05-19. Review status: criteria provided, single submitter. Criteria: Invitae Variant Classification Sherloc (09022015). Collection method: clinical testing. Allele origin: germline.
Comment: This sequence change replaces valine, which is neutral and non-polar, with methionine, which is neutral and non-polar, at codon 1018 of the POLD1 protein (p.Val1018Met). This variant is not present in population databases (gnomAD no frequency). This variant has not been reported in the literature in individuals affected with POLD1-related conditions. ClinVar contains an entry for this variant (Variation ID: 568958). Invitae Evidence Modeling of protein sequence and biophysical properties (such as structural, functional, and spatial information, amino acid conservation, physicochemical variation, residue mobility, and thermodynamic stability) indicates that this missense variant is not expected to disrupt POLD1 protein function with a negative predictive value of 80%. In summary, the available evidence is currently insufficient to determine the role of this variant in disease. Therefore, it has been classified as a Variant of Uncertain Significance.

GeneDx
Classification: Uncertain significance. Last evaluated: 2024-01-22. Review status: criteria provided, single submitter. Criteria: GeneDx Variant Classification Process June 2021. Collection method: clinical testing. Allele origin: germline. Affected: yes.
Comment: Not observed at significant frequency in large population cohorts (gnomAD); In silico analysis supports that this missense variant does not alter protein structure/function; Has not been previously published as pathogenic or benign to our knowledge; This variant is associated with the following publications: (PMID: 19296856)